The following is an entry in ClinVar:

NM_000271.5(NPC1):c.846_847del (p.Phe284fs)

Gene: NPC1 (NPC intracellular cholesterol transporter 1; minus strand). Cytogenetic location: 18q11.2.
Variant type: Microsatellite.
Coding change: c.846_847del on transcript NM_000271.5 (MANE Select); coding-DNA positions 846 to 847, 2 bases deleted (GT; older notation c.846_847delGT).
Protein change: p.Phe284fs; shifts the reading frame from phenylalanine 284.
Molecular consequence: frameshift variant.
Genome position (GRCh38, 1-based): chr18:23,560,265-23,560,266, AC deleted on the plus strand (GT on the coding strand, the reverse complement: NPC1 is on the minus strand); deleting any 2 consecutive bases within chr18:23,560,265-23,560,269 gives the same sequence; the c. name uses the placement nearest the transcript's 3' end. VCF-style (leftmost placement, unchanged base first): chr18-23560264-AAC-A. GRCh37 (hg19) VCF-style: chr18-21140228-AAC-A.
Other names: short protein forms F284fs.
Identifiers: ClinVar variation 1923443 (VCV001923443.5), dbSNP rs2511301664, ClinGen allele CA2580612675.
Genomic context (GRCh38, chr18:23,560,264, plus strand): 5'-CCCTGGATGACAAACAAAACTGCTTACCTGTAGCACCACACTGCAAAAAATGCTCCAAAA[AAC>A]ACAAGCAAAAACGCCATGTAGGTGATCCACATGATGACATACATGGCGTCCAAGCCAAGG-3'

ClinVar aggregate classification (germline): Pathogenic (1 of 4 stars; one submission).

Conditions:
Niemann-Pick disease, type C1. Also called: NIEMANN-PICK DISEASE, VARIANT TYPE C1; NEUROVISCERAL STORAGE DISEASE WITH VERTICAL SUPRANUCLEAR OPHTHALMOPLEGIA; NIEMANN-PICK DISEASE WITH CHOLESTEROL ESTERIFICATION BLOCK; NIEMANN-PICK DISEASE WITHOUT SPHINGOMYELINASE DEFICIENCY; NIEMANN-PICK DISEASE, CHRONIC NEURONOPATHIC FORM. Identifiers: Orphanet 646, MedGen C3179455, MONDO:0009757, OMIM 257220.

Submission:

Labcorp Genetics (formerly Invitae), Labcorp
Classification: Pathogenic for Niemann-Pick disease, type C1. Last evaluated: 2022-04-08. Review status: criteria provided, single submitter. Criteria: Invitae Variant Classification Sherloc (09022015). Collection method: clinical testing. Allele origin: germline.
Comment: This variant is not present in population databases (gnomAD no frequency). This sequence change creates a premature translational stop signal (p.Phe284Trpfs*23) in the NPC1 gene. It is expected to result in an absent or disrupted protein product. Loss-of-function variants in NPC1 are known to be pathogenic (PMID: 9211850). For these reasons, this variant has been classified as Pathogenic. This variant has not been reported in the literature in individuals affected with NPC1-related conditions.

Literature cited by the submitters: PubMed 9211850.